The following is an entry in ClinVar:

NM_018359.5(UFSP2):c.1035C>T (p.Val345=)

Gene: UFSP2 (UFM1 specific peptidase 2; minus strand). Cytogenetic location: 4q35.1.
Variant type: single nucleotide variant.
Coding change: c.1035C>T on transcript NM_018359.5 (MANE Select); coding-DNA position 1035, C replaced by T.
Protein change: p.Val345=; no amino-acid change (valine 345 retained).
Molecular consequence: synonymous variant. On other transcripts: non-coding transcript variant (2).
Genome position (GRCh38, 1-based): chr4:185,408,022, G>A on the plus strand (C>T on the coding strand, the complement: UFSP2 is on the minus strand). VCF-style: chr4-185408022-G-A. GRCh37 (hg19) VCF-style: chr4-186329176-G-A.
Identifiers: ClinVar variation 3051222 (VCV003051222.2), dbSNP rs375980105, ClinGen allele CA3158439.

ClinVar aggregate classification (germline): Likely benign (0 of 4 stars; one submission).

Conditions:
UFSP2-related disorder. Also called: UFSP2-related condition.

Allele frequency attached by ClinVar (database versions not stated): ESP Exome Variant Server 0.00008; 1000 Genomes Project 0.00020; gnomAD 0.00027; TOPMed 0.00030; gnomAD exomes 0.00008; ExAC 0.00009; 1000 Genomes Project 30x 0.00016.
gnomAD v4.1: 166 of 1,613,808 alleles (0.01%); highest among the groups gnomAD compares: African/African-American, 0.064%; no homozygotes.

Submission:

PreventionGenetics, part of Exact Sciences
Classification: Likely benign for UFSP2-related condition. Last evaluated: 2019-02-22. Review status: no assertion criteria provided. Collection method: clinical testing. Allele origin: germline.
Comment: This variant is classified as likely benign based on ACMG/AMP sequence variant interpretation guidelines (Richards et al. 2015 PMID: 25741868, with internal and published modifications).